The following is an entry in ClinVar:

NM_006662.3(SRCAP):c.7475C>T (p.Pro2492Leu)

Gene: SRCAP (Snf2 related CREBBP activator protein; plus strand). Cytogenetic location: 16p11.2.
Variant type: single nucleotide variant.
Coding change: c.7475C>T on transcript NM_006662.3 (MANE Select); coding-DNA position 7475, C replaced by T.
Protein change: p.Pro2492Leu; replaces proline 2492 with leucine.
Molecular consequence: missense variant.
Genome position (GRCh38, 1-based): chr16:30,737,515, C>T. VCF-style: chr16-30737515-C-T. GRCh37 (hg19) VCF-style: chr16-30748836-C-T.
Other names: short protein forms P2492L.
Identifiers: ClinVar variation 4809403 (VCV004809403.1).
Genomic context (GRCh38, chr16:30,737,515, plus strand): 5'-ATCCAATAACCATTCTCCCTGTCCATATCTTGCCTTCTCCTCCCCCTCCTTCACAGATTC[C>T]TCCTTGTTCTTCTCCTGCCTGCACCCCTCCTCCTGCCTGTACCCCTCCACCAGCTCATAC-3'
Protein context (NP_006653.2, residues 2482-2502): LPSPPPPSQI[Pro2492Leu]PCSSPACTPP

ClinVar aggregate classification (germline): Uncertain significance (1 of 4 stars; one submission).

gnomAD v4.1: 2 of 1,603,772 alleles (0.00012%); highest among the groups gnomAD compares: African/African-American, 0.0013%; no homozygotes.

Submission:

Labcorp Genetics (formerly Invitae), Labcorp
Classification: Uncertain significance. Last evaluated: 2025-06-22. Review status: criteria provided, single submitter. Criteria: Invitae Variant Classification Sherloc (09022015). Collection method: clinical testing. Allele origin: germline.
Comment: This sequence change replaces proline, which is neutral and non-polar, with leucine, which is neutral and non-polar, at codon 2492 of the SRCAP protein (p.Pro2492Leu). This variant is not present in population databases (gnomAD no frequency). This variant has not been reported in the literature in individuals affected with SRCAP-related conditions. Invitae Evidence Modeling of protein sequence and biophysical properties (such as structural, functional, and spatial information, amino acid conservation, physicochemical variation, residue mobility, and thermodynamic stability) indicates that this missense variant is not expected to disrupt SRCAP protein function with a negative predictive value of 80%. In summary, the available evidence is currently insufficient to determine the role of this variant in disease. Therefore, it has been classified as a Variant of Uncertain Significance.